The following is an entry in ClinVar:

NM_006785.4(MALT1):c.88C>G (p.Leu30Val)

Genes: MALT1 (MALT1 paracaspase; plus strand), MALT1-AS1 (MALT1 antisense RNA 1; minus strand), LOC130062586 (ATAC-STARR-seq lymphoblastoid silent region 9487; plus strand). Cytogenetic location: 18q21.32.
Variant type: single nucleotide variant.
Coding change: c.88C>G on transcript NM_006785.4 (MANE Select); coding-DNA position 88, C replaced by G.
Protein change: p.Leu30Val; replaces leucine 30 with valine.
Molecular consequence: missense variant. On other transcripts: non-coding transcript variant (1).
Genome position (GRCh38, 1-based): chr18:58,671,731, C>G. VCF-style: chr18-58671731-C-G. GRCh37 (hg19) VCF-style: chr18-56338963-C-G.
Other names: c.88C>G, p.Leu30Val (NM_173844.3); short protein forms L30V.
Identifiers: ClinVar variation 1483242 (VCV001483242.8), dbSNP rs2144285643, ClinGen allele CA402570767.

ClinVar aggregate classification (germline): Uncertain significance (1 of 4 stars; one submission).

Conditions:
Combined immunodeficiency due to MALT1 deficiency. Also called: Immunodeficiency 12. Identifiers: Orphanet 397964, MedGen C3809583, MONDO:0014197, OMIM 615468.

Submission:

Labcorp Genetics (formerly Invitae), Labcorp
Classification: Uncertain significance for Combined immunodeficiency due to MALT1 deficiency. Last evaluated: 2022-10-05. Review status: criteria provided, single submitter. Criteria: Invitae Variant Classification Sherloc (09022015). Collection method: clinical testing. Allele origin: germline.
Comment: This sequence change replaces leucine, which is neutral and non-polar, with valine, which is neutral and non-polar, at codon 30 of the MALT1 protein (p.Leu30Val). This variant is not present in population databases (gnomAD no frequency). This variant has not been reported in the literature in individuals affected with MALT1-related conditions. ClinVar contains an entry for this variant (Variation ID: 1483242). Algorithms developed to predict the effect of missense changes on protein structure and function output the following: SIFT: "Tolerated"; PolyPhen-2: "Benign"; Align-GVGD: "Class C0". The valine amino acid residue is found in multiple mammalian species, which suggests that this missense change does not adversely affect protein function. In summary, the available evidence is currently insufficient to determine the role of this variant in disease. Therefore, it has been classified as a Variant of Uncertain Significance.